The following is an entry in ClinVar:

ClinVar aggregate classification (germline): Uncertain significance (1 of 4 stars; one submission).

Conditions:
Inborn genetic diseases. Identifiers: MedGen C0950123, MeSH D030342.

gnomAD v4.1: 8 of 1,606,450 alleles (0.0005%); highest among the groups gnomAD compares: Non-Finnish European, 0.00068%; no homozygotes.

Submission:

Ambry Genetics
Classification: Uncertain significance for Inborn genetic diseases. Last evaluated: 2025-03-30. Review status: criteria provided, single submitter. Criteria: Ambry Variant Classification Scheme 2023. Collection method: clinical testing. Allele origin: germline.
Comment: The p.C157R variant (also known as c.469T>C), located in coding exon 5 of the ETV6 gene, results from a T to C substitution at nucleotide position 469. The cysteine at codon 157 is replaced by arginine, an amino acid with highly dissimilar properties. This amino acid position is conserved. In addition, this alteration is predicted to be tolerated by in silico analysis. Based on the available evidence, the clinical significance of this variant remains unclear.

NM_001987.5(ETV6):c.469T>C (p.Cys157Arg)

Gene: ETV6 (ETS variant transcription factor 6; plus strand). Cytogenetic location: 12p13.2.
Variant type: single nucleotide variant.
Coding change: c.469T>C on transcript NM_001987.5 (MANE Select); coding-DNA position 469, T replaced by C.
Protein change: p.Cys157Arg; replaces cysteine 157 with arginine.
Molecular consequence: missense variant.
Genome position (GRCh38, 1-based): chr12:11,869,429, T>C. VCF-style: chr12-11869429-T-C. GRCh37 (hg19) VCF-style: chr12-12022363-T-C.
Other names: c.466T>C, p.Cys156Arg (NM_001413913.1); c.442T>C, p.Cys148Arg (NM_001413914.1); c.205T>C, p.Cys69Arg (NM_001413915.1); c.469T>C, p.Cys157Arg (NM_001413916.1, NM_001413917.1); short protein forms C156R, C157R, C148R, C69R.
Identifiers: ClinVar variation 4020051 (VCV004020051.1).